The following is an entry in ClinVar:

NM_000742.4(CHRNA2):c.340-15C>A

Gene: CHRNA2 (cholinergic receptor nicotinic alpha 2 subunit; minus strand). Cytogenetic location: 8p21.2.
Variant type: single nucleotide variant.
Coding change: c.340-15C>A on transcript NM_000742.4 (MANE Select); 15 bases into the intron before coding-DNA position 340, C replaced by A.
Molecular consequence: intron variant.
Genome position (GRCh38, 1-based): chr8:27,467,353, G>T on the plus strand (C>A on the coding strand, the complement: CHRNA2 is on the minus strand). VCF-style: chr8-27467353-G-T. GRCh37 (hg19) VCF-style: chr8-27324870-G-T.
Other names: c.-133-15C>A (NM_001347705.2, NM_001347706.2); c.295-15C>A (NM_001282455.2); c.-122-15C>A (NM_001347708.2); c.-119-15C>A (NM_001347707.2).
Identifiers: ClinVar variation 136748 (VCV000136748.15), dbSNP rs373046238, ClinGen allele CA290075.
Genomic context (GRCh38, chr8:27,467,353, plus strand): 5'-TGCCAAAATCAGTGGGGTTCCAGCGCAGTTTGTAGTCGCTCCACTCCTGTGTGTGGGGAA[G>T]GAGTTGTGTCAACCTCGCTTCCAGGGAGCAGCCTAGGGCAAAGCTAGCACACCCCGGGGA-3'

ClinVar aggregate classification (germline): Benign/Likely benign. Review status: criteria provided, multiple submitters, no conflicts (2 of 4 stars). 4 submissions from 4 submitters: Benign (2); Likely benign (2). Last evaluated 2025-12-21.

Conditions:
Familial sleep-related hypermotor epilepsy. Also called: Autosomal Dominant Sleep-Related Hypermotor (Hyperkinetic) Epilepsy. Identifiers: Orphanet 98784, MedGen C3696898, MONDO:0000030.
Autosomal dominant nocturnal frontal lobe epilepsy 4. Also called: EPILEPSY, FAMILIAL, WITH NOCTURNAL WANDERING AND ICTAL FEAR; CHRNA2-Related Nocturnal Frontal Lobe Epilepsy, Autosomal Dominant. Identifiers: Orphanet 98784, MedGen C1835905, MONDO:0012474, OMIM 610353.

Allele frequency attached by ClinVar (database versions not stated): TOPMed 0.00027; gnomAD 0.00029; gnomAD exomes 0.00031 and 0.00043; ExAC 0.00038; ESP Exome Variant Server 0.00046.

Submissions (4):

Labcorp Genetics (formerly Invitae), Labcorp
Classification: Likely benign. Last evaluated: 2025-12-21. Review status: criteria provided, single submitter. Criteria: Invitae Variant Classification Sherloc (09022015). Collection method: clinical testing. Allele origin: germline.

Blueprint Genetics
Classification: Likely benign. Last evaluated: 2024-09-12. Review status: criteria provided, single submitter. Criteria: ACMG Guidelines, 2015. Collection method: clinical testing. Allele origin: germline.

Illumina Laboratory Services, Illumina
Classification: Benign for Autosomal dominant nocturnal frontal lobe epilepsy 4. Last evaluated: 2018-01-13. Review status: criteria provided, single submitter. Criteria: ICSL Variant Classification Criteria 13 December 2019. Collection method: clinical testing. Allele origin: germline.
Comment: This variant was observed in the ICSL laboratory as part of a predisposition screen in an ostensibly healthy population. It had not been previously curated by ICSL or reported in the Human Gene Mutation Database (HGMD: prior to June 1st, 2018), and was therefore a candidate for classification through an automated scoring system. Utilizing variant allele frequency, disease prevalence and penetrance estimates, and inheritance mode, an automated score was calculated to assess if this variant is too frequent to cause the disease. Based on the score and internal cut-off values, a variant classified as benign is not then subjected to further curation. The score for this variant resulted in a classification of benign for this disease.

GeneDx
Classification: Benign. Last evaluated: 2014-02-04. Review status: criteria provided, single submitter. Criteria: GeneDx Variant Classification (06012015). Collection method: clinical testing. Allele origin: germline. Affected: yes.
Comment: This variant is considered likely benign or benign based on one or more of the following criteria: it is a conservative change, it occurs at a poorly conserved position in the protein, it is predicted to be benign by multiple in silico algorithms, and/or has population frequency not consistent with disease.